The following is an entry in ClinVar:

NM_003738.5(PTCH2):c.90G>A (p.Leu30=)

Gene: PTCH2 (patched 2; minus strand). Cytogenetic location: 1p34.1.
Variant type: single nucleotide variant.
Coding change: c.90G>A on transcript NM_003738.5 (MANE Select); coding-DNA position 90, G replaced by A.
Protein change: p.Leu30=; no amino-acid change (leucine 30 retained).
Molecular consequence: synonymous variant.
Genome position (GRCh38, 1-based): chr1:44,842,022, C>T on the plus strand (G>A on the coding strand, the complement: PTCH2 is on the minus strand). VCF-style: chr1-44842022-C-T. GRCh37 (hg19) VCF-style: chr1-45307694-C-T.
Other names: c.90G>A, p.Leu30= (NM_001166292.2).
Identifiers: ClinVar variation 239563 (VCV000239563.42), dbSNP rs45573433, ClinGen allele CA823742.

ClinVar aggregate classification (germline): Benign/Likely benign. Review status: criteria provided, multiple submitters, no conflicts (2 of 4 stars). 9 submissions from 8 submitters: Benign (5); Likely benign (4). Last evaluated 2026-08-01.

Conditions:
Basal cell nevus syndrome 1 (BCNS1). Also called: GORLIN-GOLTZ SYNDROME; MULTIPLE BASAL CELL NEVI, ODONTOGENIC KERATOCYSTS, AND SKELETAL ANOMALIES. Identifiers: MedGen CN376810, MONDO:0958174, OMIM 109400.
Medulloblastoma (MDB). Also called: MEDULLOBLASTOMA PREDISPOSITION SYNDROME; Medulloblastoma, somatic. Identifiers: Orphanet 616, MedGen C0025149, MeSH D008527, MONDO:0007959, OMIM 155255, HP:0002885.
Basal cell carcinoma, susceptibility to, 1. Also called: BCC1. Identifiers: MedGen C2751544, MONDO:0011556, OMIM 605462.
Gorlin syndrome. Also called: Nevoid Basal Cell Carcinoma Syndrome; Basal cell nevus syndrome. Identifiers: Orphanet 377, MedGen C0004779, MONDO:0007187.

Allele frequency attached by ClinVar (database versions not stated): 1000 Genomes Project 0.00559; 1000 Genomes Project 30x 0.00562; TOPMed 0.00738; ESP Exome Variant Server 0.00877; gnomAD 0.00926 and 0.00945; ExAC 0.00963; gnomAD exomes 0.01006 and 0.01212.
gnomAD v4.1: 18,957 of 1,613,006 alleles (1.2%); highest among the groups gnomAD compares: Non-Finnish European, 1.3%; 127 homozygotes.

Submissions (9):

CeGaT Center for Human Genetics Tuebingen
Classification: Benign. Last evaluated: 2026-08-01. Review status: criteria provided, single submitter. Criteria: CeGaT Center For Human Genetics Tuebingen Variant Classification Criteria Version 2. Collection method: clinical testing. Allele origin: germline. Affected: yes. Observed: 95 variant alleles.
Comment: PTCH2: BS1, BS2

Labcorp Genetics (formerly Invitae), Labcorp
Classification: Benign for Gorlin syndrome. Last evaluated: 2026-01-29. Review status: criteria provided, single submitter. Criteria: Invitae Variant Classification Sherloc (09022015). Collection method: clinical testing. Allele origin: germline.

Center for Genomic Medicine, Rigshospitalet, Copenhagen University Hospital
Classification: Benign. Last evaluated: 2025-03-04. Review status: criteria provided, single submitter. Criteria: ACMG Guidelines, 2015. Collection method: clinical testing. Allele origin: germline.

KCCC/NGS Laboratory, Kuwait Cancer Control Center
Classification: Benign for Basal cell nevus syndrome 1. Last evaluated: 2025-02-01. Review status: criteria provided, single submitter. Criteria: ACMG Guidelines, 2015. Collection method: clinical testing. Allele origin: germline. Affected: no.

Blueprint Genetics
Classification: Likely benign. Last evaluated: 2024-11-26. Review status: criteria provided, single submitter. Criteria: ACMG Guidelines, 2015. Collection method: clinical testing. Allele origin: germline.

KCCC/NGS Laboratory, Kuwait Cancer Control Center
Classification: Benign for Basal cell carcinoma, susceptibility to, 1. Last evaluated: 2023-07-07. Review status: criteria provided, single submitter. Criteria: ACMG Guidelines, 2015. Collection method: clinical testing. Allele origin: germline. Affected: yes.

Department of Pathology and Laboratory Medicine, Sinai Health System
Classification: Likely benign for Medulloblastoma; Basal cell carcinoma, susceptibility to, 1. Last evaluated: 2022-02-01. Review status: criteria provided, single submitter. Criteria: ACMG Guidelines, 2015. Collection method: research. Allele origin: germline.

GeneDx
Classification: Likely benign. Last evaluated: 2020-09-14. Review status: criteria provided, single submitter. Criteria: GeneDx Variant Classification Process June 2021. Collection method: clinical testing. Allele origin: germline. Affected: yes.

Breakthrough Genomics
Classification: Likely benign. Review status: criteria provided, single submitter. Criteria: ACMG Guidelines, 2015. Collection method: not provided. Allele origin: germline. Inheritance: Autosomal dominant inheritance. Affected: yes.